The following is an entry in ClinVar:

ClinVar aggregate classification (germline): Conflicting classifications of pathogenicity. Review status: criteria provided, conflicting classifications (1 of 4 stars). 6 submissions from 6 submitters: Uncertain significance (4); Likely benign (1). 1 of the submissions does not count toward it. Last evaluated 2026-05-11.

Conditions:
Zellweger spectrum disorders (ZS). Also called: Zellweger Spectrum Disorder (ZSD); Zellweger syndrome; Zellweger Spectrum Disorder; Zellweger Spectrum. Identifiers: Orphanet 912, MedGen C0043459, MONDO:0019609.
Peroxisome biogenesis disorder 1A (Zellweger) (PBD1A). Also called: Peroxisome biogenesis disorder 1a; Zellweger leukodystrophy. Identifiers: MedGen C4721541, MONDO:0008953, OMIM 214100.
PEX1-related disorder. Also called: PEX1-related condition.

Allele frequency attached by ClinVar (database versions not stated): ExAC 0.00002; gnomAD exomes 0.00004; gnomAD 0.00007; TOPMed 0.00010.
gnomAD v4.1: 69 of 1,611,762 alleles (0.0043%); highest among the groups gnomAD compares: Admixed American, 0.015%; no homozygotes.

Submissions (6):

PreventionGenetics, part of Exact Sciences
Classification: Uncertain significance for PEX1-related condition. Last evaluated: 2026-05-11. Review status: criteria provided, single submitter. Criteria: ACMG Guidelines, 2015. Collection method: clinical testing. Allele origin: germline.
Comment: The PEX1 c.1369A>G variant is predicted to result in the amino acid substitution p.Ile457Val. This variant was reported in an individual with retinal/optic nerve disease (supplementary data, Diñeiro et al. 2020. PubMed ID: 32483926). This variant is reported in 0.012% of alleles in individuals of European (Finnish) descent in gnomAD. At this time, the clinical significance of this variant is uncertain due to the absence of conclusive functional and genetic evidence.

Blueprint Genetics
Classification: Likely benign. Last evaluated: 2024-11-05. Review status: criteria provided, single submitter. Criteria: ACMG Guidelines, 2015. Collection method: clinical testing. Allele origin: germline.

Women's Health and Genetics/Laboratory Corporation of America, LabCorp
Classification: Uncertain significance. Last evaluated: 2023-04-27. Review status: criteria provided, single submitter. Criteria: LabCorp Variant Classification Summary - May 2015. Collection method: clinical testing. Allele origin: germline.
Comment: Variant summary: PEX1 c.1369A>G (p.Ile457Val) results in a conservative amino acid change in the encoded protein sequence. Five of five in-silico tools predict a benign effect of the variant on protein function. The variant allele was found at a frequency of 4.4e-05 in 250656 control chromosomes (gnomAD). This frequency is not significantly higher than estimated for a pathogenic variant in PEX1 causing Zellweger Syndrome (4.4e-05 vs 0.0039), allowing no conclusion about variant significance. c.1369A>G has been reported in the literature in an individual affected with blindness associated with retinal/optic nerve disease without strong evidence of causality. This report does not provide unequivocal conclusions about association of the variant with Zellweger Syndrome. To our knowledge, no experimental evidence demonstrating an impact on protein function has been reported. The following publication has been ascertained in the context of this evaluation (PMID: 32483926). Three submitters have provided clinical-significance assessments for this variant to ClinVar after 2014, and classified the variant as uncertain significance. Based on the evidence outlined above, the variant was classified as uncertain significance.

Labcorp Genetics (formerly Invitae), Labcorp
Classification: Uncertain significance for Zellweger spectrum disorders. Last evaluated: 2022-08-19. Review status: criteria provided, single submitter. Criteria: Invitae Variant Classification Sherloc (09022015). Collection method: clinical testing. Allele origin: germline.
Comment: This sequence change replaces isoleucine, which is neutral and non-polar, with valine, which is neutral and non-polar, at codon 457 of the PEX1 protein (p.Ile457Val). This variant is present in population databases (rs561561515, gnomAD 0.01%). This variant has not been reported in the literature in individuals affected with PEX1-related conditions. ClinVar contains an entry for this variant (Variation ID: 360929). Advanced modeling of protein sequence and biophysical properties (such as structural, functional, and spatial information, amino acid conservation, physicochemical variation, residue mobility, and thermodynamic stability) performed at Invitae indicates that this missense variant is not expected to disrupt PEX1 protein function. Algorithms developed to predict the effect of sequence changes on RNA splicing suggest that this variant may create or strengthen a splice site. In summary, the available evidence is currently insufficient to determine the role of this variant in disease. Therefore, it has been classified as a Variant of Uncertain Significance.

Illumina Laboratory Services, Illumina
Classification: Uncertain significance for Peroxisome biogenesis disorder 1A (Zellweger). Last evaluated: 2018-01-13. Review status: criteria provided, single submitter. Criteria: ICSL Variant Classification Criteria 13 December 2019. Collection method: clinical testing. Allele origin: germline.

Natera, Inc.
Classification: Uncertain significance for Zellweger syndrome. Last evaluated: 2017-08-10. Review status: no assertion criteria provided. Collection method: clinical testing. Allele origin: germline. Not counted in ClinVar's aggregate classification.

Literature cited by the submitters: PubMed 32483926 (cited by Women's Health and Genetics/Laboratory Corporation of America, LabCorp).

NM_000466.3(PEX1):c.1369A>G (p.Ile457Val)

Gene: PEX1 (peroxisomal biogenesis factor 1; minus strand). Cytogenetic location: 7q21.2.
Variant type: single nucleotide variant.
Coding change: c.1369A>G on transcript NM_000466.3 (MANE Select); coding-DNA position 1369, A replaced by G.
Protein change: p.Ile457Val; replaces isoleucine 457 with valine.
Molecular consequence: missense variant.
Genome position (GRCh38, 1-based): chr7:92,511,694, T>C on the plus strand (A>G on the coding strand, the complement: PEX1 is on the minus strand). VCF-style: chr7-92511694-T-C. GRCh37 (hg19) VCF-style: chr7-92141008-T-C.
Other names: c.1369A>G, p.Ile457Val (NM_001282677.2); c.745A>G, p.Ile249Val (NM_001282678.2); short protein forms I457V, I249V.
Identifiers: ClinVar variation 360929 (VCV000360929.12), dbSNP rs561561515, ClinGen allele CA4341412.